The following is an entry in ClinVar:

NM_024757.5(EHMT1):c.1590_1607dup (p.Glu531_Ala536dup)

Genes: EHMT1 (euchromatic histone lysine methyltransferase 1; plus strand), LOC130003148 (ATAC-STARR-seq lymphoblastoid active region 29369; plus strand). Cytogenetic location: 9q34.3.
Variant type: Duplication.
Coding change: c.1590_1607dup on transcript NM_024757.5 (MANE Select); coding-DNA positions 1590 to 1607, 18 bases duplicated (AGAGATCACCACACTGGC).
Protein change: p.Glu531_Ala536dup.
Molecular consequence: inframe insertion.
Genome position (GRCh38, 1-based): chr9:137,762,763-137,762,780, AGAGATCACCACACTGGC duplicated. VCF-style (leftmost placement, unchanged base first): chr9-137762762-G-GAGAGATCACCACACTGGC. GRCh37 (hg19) VCF-style: chr9-140657214-G-GAGAGATCACCACACTGGC.
Other names: c.1590_1607dup, p.Glu531_Ala536dup (NM_001145527.2, NM_001354611.2); c.1497_1514dup, p.Glu500_Ala505dup (NM_001354259.2, NM_001354612.2); c.1569_1586dup, p.Glu524_Ala529dup (NM_001354263.2); c.1590_1607dupAGAGATCACCACACTGGC (NM_024757.4).
Identifiers: ClinVar variation 846685 (VCV000846685.12), dbSNP rs1949928538, ClinGen allele CA916083098.
Genomic context (GRCh38, chr9:137,762,762, plus strand): 5'-AGACAGACGGCCTCCAGGAAGTGCCTCTCTGCAGCTGCCGGATGGAAACACCGAAGAGTC[G>GAGAGATCACCACACTGGC]AGAGATCACCACACTGGCCAACAACCAGTGCATGGCTACAGAGAGCGTGGACCATGAAGT-3'

ClinVar aggregate classification (germline): Uncertain significance. Review status: criteria provided, multiple submitters, no conflicts (2 of 4 stars). 2 submissions from 2 submitters: Uncertain significance (2). Last evaluated 2019-11-18.

Conditions:
Inborn genetic diseases. Identifiers: MedGen C0950123, MeSH D030342.
Kleefstra syndrome 1 (KLEFS1). Identifiers: Orphanet 261494, MedGen C0795833, MONDO:0027407, OMIM 610253.

Allele frequency attached by ClinVar (database versions not stated): TOPMed below 0.00001.

Submissions (2):

Labcorp Genetics (formerly Invitae), Labcorp
Classification: Uncertain significance for Kleefstra syndrome 1. Last evaluated: 2019-11-18. Review status: criteria provided, single submitter. Criteria: Invitae Variant Classification Sherloc (09022015). Collection method: clinical testing. Allele origin: germline.
Comment: This variant has not been reported in the literature in individuals with EHMT1-related conditions. Experimental studies and prediction algorithms are not available or were not evaluated, and the functional significance of this variant is currently unknown. In summary, the available evidence is currently insufficient to determine the role of this variant in disease. Therefore, it has been classified as a Variant of Uncertain Significance. This variant is not present in population databases (ExAC no frequency). This variant, c.1590_1607dup, results in the insertion of 6 amino acid(s) to the EHMT1 protein (p.Glu531_Ala536dup), but otherwise preserves the integrity of the reading frame.

Ambry Genetics
Classification: Uncertain significance for Inborn genetic diseases. Last evaluated: 2018-07-06. Review status: criteria provided, single submitter. Criteria: Ambry Variant Classification Scheme 2023. Collection method: clinical testing. Allele origin: germline.
Comment: The c.1590_1607dup18 variant (also known as p.E531_A536dup), located in coding exon 10 of the EHMT1 gene, results from an in-frame duplication of 18 nucleotides at nucleotide positions 1590 to 1607. This results in the duplication of 6 extra residues (EITTLA) between codons 531 and 536. These amino acid positions are well conserved in available vertebrate species. In addition, this alteration is predicted to be deleterious by in silico analysis (Choi Y et al., PLoS ONE 2012; 7(10):e46688). Since supporting evidence is limited at this time, the clinical significance of this alteration remains unclear.